The following is an entry in ClinVar:

NM_003001.5(SDHC):c.361del (p.Val121fs)

Gene: SDHC (succinate dehydrogenase complex subunit C; plus strand). Cytogenetic location: 1q23.3.
Variant type: Deletion.
Coding change: c.361del on transcript NM_003001.5 (MANE Select); coding-DNA position 361, one base deleted (G; older notation c.361delG).
Protein change: p.Val121fs; shifts the reading frame from valine 121.
Molecular consequence: frameshift variant. On other transcripts: non-coding transcript variant (1), intron variant (3).
Genome position (GRCh38, 1-based): chr1:161,356,796, G deleted. VCF-style (leftmost placement, unchanged base first): chr1-161356795-TG-T. GRCh37 (hg19) VCF-style: chr1-161326585-TG-T.
Other names: c.259del, p.Val87fs (NM_001035512.3); c.202del, p.Val68fs (NM_001035513.3); c.481del, p.Val161fs (NM_001407115.1); c.304del, p.Val102fs (NM_001407116.1); c.298del, p.Val100fs (NM_001407117.1); c.253del, p.Val85fs (NM_001407118.1); c.250del, p.Val84fs (NM_001407119.1, NM_001407120.1); c.242-5533del (NM_001035511.3); and 2 more; short protein forms V100fs, V121fs, V87fs, V161fs, V85fs, V102fs, V68fs, V84fs.
Identifiers: ClinVar variation 4785606 (VCV004785606.1).

ClinVar aggregate classification (germline): Pathogenic (1 of 4 stars; one submission).

Conditions:
Pheochromocytoma/paraganglioma syndrome 3. Also called: GLOMUS TUMORS, FAMILIAL, 3; Paragangliomas 3; SDHC-Related Hereditary Paraganglioma-Pheochromocytoma Syndrome (Paragangliomas 3); SDHC-Related Hereditary Paraganglioma-Pheochromocytoma Syndrome. Identifiers: Orphanet 29072, MedGen C1854336, MONDO:0011544, OMIM 605373.
Gastrointestinal stromal tumor. Also called: Gastrointestinal stroma tumor; Gastrointestinal stromal tumor, somatic. Identifiers: Orphanet 44890, MedGen C0238198, MeSH D046152, MONDO:0011719, OMIM 606764, HP:0100723.

Submission:

Labcorp Genetics (formerly Invitae), Labcorp
Classification: Pathogenic for Pheochromocytoma/paraganglioma syndrome 3; Gastrointestinal stromal tumor. Last evaluated: 2025-07-18. Review status: criteria provided, single submitter. Criteria: Invitae Variant Classification Sherloc (09022015). Collection method: clinical testing. Allele origin: germline.
Comment: This sequence change creates a premature translational stop signal (p.Val121Serfs*15) in the SDHC gene. While this is not anticipated to result in nonsense mediated decay, it is expected to disrupt the last 49 amino acid(s) of the SDHC protein. This variant is not present in population databases (gnomAD no frequency). This variant has not been reported in the literature in individuals affected with SDHC-related conditions. This variant disrupts a region of the SDHC protein in which other variant(s) (p.Arg133*) have been determined to be pathogenic (PMID: 17898811, 23083876, 23282968, 24423348). This suggests that this is a clinically significant region of the protein, and that variants that disrupt it are likely to be disease-causing. For these reasons, this variant has been classified as Pathogenic.

Literature cited by the submitters: PubMed 17898811; PubMed 23083876; PubMed 23282968; PubMed 24423348.